The following is an entry in ClinVar:

ClinVar aggregate classification (germline): Uncertain significance (1 of 4 stars; one submission).

Conditions:
Ellis-van Creveld syndrome (EVC). Also called: MESOECTODERMAL DYSPLASIA; EVC-Related Ellis-van Creveld Syndrome; EVC2-Related Ellis-van Creveld Syndrome; Chondroectodermal dysplasia. Identifiers: Orphanet 289, MedGen C0013903, MONDO:0009162, OMIM 225500.
Curry-Hall syndrome (WAD). Also called: WEYERS ACRODENTAL DYSOSTOSIS. Identifiers: Orphanet 952, MedGen C0457013, MONDO:0008673, OMIM 193530.

Submission:

Labcorp Genetics (formerly Invitae), Labcorp
Classification: Uncertain significance for Curry-Hall syndrome; Ellis-van Creveld syndrome. Last evaluated: 2022-07-05. Review status: criteria provided, single submitter. Criteria: Invitae Variant Classification Sherloc (09022015). Collection method: clinical testing. Allele origin: germline.
Comment: This sequence change replaces isoleucine, which is neutral and non-polar, with phenylalanine, which is neutral and non-polar, at codon 1263 of the EVC2 protein (p.Ile1263Phe). This variant is not present in population databases (gnomAD no frequency). This variant has not been reported in the literature in individuals affected with EVC2-related conditions. Algorithms developed to predict the effect of missense changes on protein structure and function (SIFT, PolyPhen-2, Align-GVGD) all suggest that this variant is likely to be tolerated. In summary, the available evidence is currently insufficient to determine the role of this variant in disease. Therefore, it has been classified as a Variant of Uncertain Significance.

NM_147127.5(EVC2):c.3787A>T (p.Ile1263Phe)

Gene: EVC2 (EvC ciliary complex subunit 2; minus strand). Cytogenetic location: 4p16.2.
Variant type: single nucleotide variant.
Coding change: c.3787A>T on transcript NM_147127.5 (MANE Select); coding-DNA position 3787, A replaced by T.
Protein change: p.Ile1263Phe; replaces isoleucine 1263 with phenylalanine.
Molecular consequence: missense variant.
Genome position (GRCh38, 1-based): chr4:5,562,988, T>A on the plus strand (A>T on the coding strand, the complement: EVC2 is on the minus strand). VCF-style: chr4-5562988-T-A. GRCh37 (hg19) VCF-style: chr4-5564715-T-A.
Other names: c.3547A>T, p.Ile1183Phe (NM_001166136.2); short protein forms I1183F, I1263F.
Identifiers: ClinVar variation 2042523 (VCV002042523.1), dbSNP rs2475165759, ClinGen allele CA356146542.